The following is an entry in ClinVar:

ClinVar aggregate classification (germline): Uncertain significance. Review status: criteria provided, multiple submitters, no conflicts (2 of 4 stars). 3 submissions from 3 submitters: Uncertain significance (3). Last evaluated 2026-05-13.

Conditions:
Polycystic kidney disease, adult type (PKD1). Also called: Polycystic Kidney Disease 1, Autosomal Dominant; Polycystic kidney disease 1; Polycystic kidney disease 1, severe; POLYCYSTIC KIDNEY DISEASE 1 WITH OR WITHOUT POLYCYSTIC LIVER DISEASE; POLYCYSTIC KIDNEY DISEASE, ADULT, TYPE I; Polycystic Kidney, Autosomal Dominant. Identifiers: MedGen C3149841, MONDO:0008263, OMIM 173900.

Submissions (3):

Victorian Clinical Genetics Services, Murdoch Childrens Research Institute
Classification: Uncertain significance for Polycystic kidney disease, adult type. Last evaluated: 2026-05-13. Review status: criteria provided, single submitter. Criteria: ACMG Guidelines, 2015. Collection method: clinical testing. Allele origin: germline. Affected: yes.
Comment: This variant is classified as VUS-3B. Evidence in support of pathogenic classification: In-frame insertion in a non-repetitive region that has high conservation; Variant is absent from gnomAD (v2, v3 and v4). Additional information: This variant is heterozygous; This gene is associated with autosomal dominant disease. Polycystic kidney disease 1 (MIM#173900) is predominantly caused by monoallelic variants, with rare reports of biallelic variants causing disease (OMIM); Previous evidence of pathogenicity for this variant is inconclusive. This variant has been classified as a VUS by clinical laboratories in ClinVar. - No published evidence of segregation with disease has been identified for this variant; No published functional evidence has been identified for this variant; No comparable In-frame insertion variants have previous evidence for pathogenicity; Variant is located in the annotated REJ domain (DECIPHER); Loss of function is a known mechanism of disease in this gene and is associated with polycystic kidney disease 1 (MIM#173900); Inheritance information for this variant is not currently available in this individual.

Athena Diagnostics
Classification: Uncertain significance. Last evaluated: 2020-05-19. Review status: criteria provided, single submitter. Criteria: Athena Diagnostics Criteria. Collection method: clinical testing. Allele origin: unknown.

Department of Pathology and Laboratory Medicine, Sinai Health System
Classification: Uncertain significance for Polycystic kidney disease, adult type. Last evaluated: 2017-08-11. Review status: criteria provided, single submitter. Criteria: ACMG Guidelines, 2015. Collection method: clinical testing. Allele origin: germline. Affected: yes.

NM_001009944.3(PKD1):c.7525_7539dup (p.Val2509_Leu2513dup)

Gene: PKD1 (polycystin 1, transient receptor potential channel interacting; minus strand). Cytogenetic location: 16p13.3.
Variant type: Duplication.
Coding change: c.7525_7539dup on transcript NM_001009944.3 (MANE Select); coding-DNA positions 7525 to 7539, 15 bases duplicated (GTGTACGCCCTGCTG).
Protein change: p.Val2509_Leu2513dup.
Molecular consequence: inframe insertion.
Genome position (GRCh38, 1-based): chr16:2,106,255-2,106,269, CAGCAGGGCGTACAC duplicated on the plus strand (GTGTACGCCCTGCTG on the coding strand, the reverse complement: PKD1 is on the minus strand); duplicating any 15 consecutive bases within chr16:2,106,255-2,106,273 gives the same sequence; the c. name uses the placement nearest the transcript's 3' end. VCF-style (leftmost placement, unchanged base first): chr16-2106254-G-GCAGCAGGGCGTACAC. GRCh37 (hg19) VCF-style: chr16-2156255-G-GCAGCAGGGCGTACAC.
Other names: c.7525_7539dup, p.Val2509_Leu2513dup (NM_000296.4).
Identifiers: ClinVar variation 994670 (VCV000994670.3), dbSNP rs2092331813, ClinGen allele CA1139664382.